The following is an entry in ClinVar:

ClinVar aggregate classification (germline): Uncertain significance. Review status: criteria provided, multiple submitters, no conflicts (2 of 4 stars). 2 submissions from 2 submitters: Uncertain significance (2). Last evaluated 2024-02-12.

Conditions:
Fanconi anemia (FA). Also called: Fanconi's anemia. Identifiers: Orphanet 84, MedGen C0015625, MeSH D005199, MONDO:0019391.
Fanconi anemia complementation group D2. Also called: FANCD2-Related Fanconi Anemia; FANCONI PANCYTOPENIA, TYPE 4; FANCONI ANEMIA, COMPLEMENTATION GROUP D. Identifiers: Orphanet 84, MedGen C3160738, MONDO:0009214, OMIM 227646.

Allele frequency attached by ClinVar (database versions not stated): gnomAD exomes below 0.00001; TOPMed below 0.00001.
gnomAD v4.1: 1 of 1,612,424 alleles (0.000062%); highest among the groups gnomAD compares: Non-Finnish European, 0.000085%; no homozygotes.

Submissions (2):

Fulgent Genetics
Classification: Uncertain significance for Fanconi anemia complementation group D2. Last evaluated: 2024-02-12. Review status: criteria provided, single submitter. Criteria: ACMG Guidelines, 2015. Collection method: clinical testing. Allele origin: germline.

Labcorp Genetics (formerly Invitae), Labcorp
Classification: Uncertain significance for Fanconi anemia. Last evaluated: 2021-05-12. Review status: criteria provided, single submitter. Criteria: Invitae Variant Classification Sherloc (09022015). Collection method: clinical testing. Allele origin: germline.
Comment: This sequence change falls in intron 10 of the FANCD2 gene. It does not directly change the encoded amino acid sequence of the FANCD2 protein. It affects a nucleotide within the consensus splice site of the intron. This variant is not present in population databases (ExAC no frequency). This variant has not been reported in the literature in individuals with FANCD2-related conditions. Nucleotide substitutions within the consensus splice site are a relatively common cause of aberrant splicing (PMID: 17576681, 9536098). Algorithms developed to predict the effect of sequence changes on RNA splicing suggest that this variant may disrupt the consensus splice site, but this prediction has not been confirmed by published transcriptional studies. In summary, the available evidence is currently insufficient to determine the role of this variant in disease. Therefore, it has been classified as a Variant of Uncertain Significance.

Literature cited by the submitters: PubMed 17576681 (cited by Labcorp Genetics (formerly Invitae), Labcorp); PubMed 9536098 (cited by Labcorp Genetics (formerly Invitae), Labcorp).

NM_001018115.3(FANCD2):c.784-3T>G

Genes: FANCD2 (FA complementation group D2; plus strand), LOC107303338 (3p25 FANCD2 Alu-mediated recombination region; plus strand). Cytogenetic location: 3p25.3.
Variant type: single nucleotide variant.
Coding change: c.784-3T>G on transcript NM_001018115.3 (MANE Select); 3 bases into the intron before coding-DNA position 784, T replaced by G.
Molecular consequence: intron variant.
Genome position (GRCh38, 1-based): chr3:10,042,556, T>G. VCF-style: chr3-10042556-T-G. GRCh37 (hg19) VCF-style: chr3-10084240-T-G.
Other names: c.784-3T>G (NM_001319984.2, NM_001374253.1, NM_033084.6 and 2 more transcripts).
Identifiers: ClinVar variation 1439010 (VCV001439010.4), dbSNP rs2086891718, ClinGen allele CA1345028608.